The following is an entry in ClinVar:

ClinVar aggregate classification (germline): Conflicting classifications of pathogenicity. Review status: criteria provided, conflicting classifications (1 of 4 stars). 4 submissions from 4 submitters: Uncertain significance (1); Likely benign (3). Last evaluated 2025-09-20.

Conditions:
Cardiovascular phenotype. Identifiers: MedGen CN230736.
Dilated cardiomyopathy 1DD (CMD1DD). Identifiers: Orphanet 154, MedGen C2750995, MONDO:0013168, OMIM 613172.

Allele frequency attached by ClinVar (database versions not stated): gnomAD 0.00001; gnomAD exomes 0.00001; TOPMed 0.00002.
gnomAD v4.1: 34 of 1,551,526 alleles (0.0022%); highest among the groups gnomAD compares: Non-Finnish European, 0.003%; no homozygotes.

Submissions (4):

Labcorp Genetics (formerly Invitae), Labcorp
Classification: Likely benign for Dilated cardiomyopathy 1DD. Last evaluated: 2025-09-20. Review status: criteria provided, single submitter. Criteria: Invitae Variant Classification Sherloc (09022015). Collection method: clinical testing. Allele origin: germline.

Ambry Genetics
Classification: Uncertain significance for Cardiovascular phenotype. Last evaluated: 2024-09-16. Review status: criteria provided, single submitter. Criteria: Ambry Variant Classification Scheme 2023. Collection method: clinical testing. Allele origin: germline.
Comment: The c.1962C>T variant (also known as p.S654S), located in coding exon 9 of the RBM20 gene, results from a C to T substitution at nucleotide position 1962. This nucleotide substitution does not change the amino acid at codon 654. This variant was detected in a cardiomyopathy/arrhythmia genetic testing cohort; however, clinical details were limited, and additional cardiac variants were detected in some cases (van Lint FHM et al. Neth Heart J, 2019 Jun;27:304-309). This nucleotide position is not well conserved in available vertebrate species. In silico splice site analysis for this alteration is inconclusive. Since supporting evidence is limited at this time, the clinical significance of this alteration remains unclear.

CeGaT Center for Human Genetics Tuebingen
Classification: Likely benign. Last evaluated: 2024-05-01. Review status: criteria provided, single submitter. Criteria: CeGaT Center For Human Genetics Tuebingen Variant Classification Criteria Version 2. Collection method: clinical testing. Allele origin: germline. Affected: yes. Observed: 1 variant allele.
Comment: RBM20: BP4, BP7

Fulgent Genetics
Classification: Likely benign for Dilated cardiomyopathy 1DD. Last evaluated: 2021-09-15. Review status: criteria provided, single submitter. Criteria: ACMG Guidelines, 2015. Collection method: clinical testing. Allele origin: unknown.

Literature cited by the submitters: PubMed 30847666 (cited by Ambry Genetics).

NM_001134363.3(RBM20):c.1962C>T (p.Ser654=)

Gene: RBM20 (RNA binding motif protein 20; plus strand). Cytogenetic location: 10q25.2.
Variant type: single nucleotide variant.
Coding change: c.1962C>T on transcript NM_001134363.3 (MANE Select); coding-DNA position 1962, C replaced by T.
Protein change: p.Ser654=; no amino-acid change (serine 654 retained).
Molecular consequence: synonymous variant.
Genome position (GRCh38, 1-based): chr10:110,812,359, C>T. VCF-style: chr10-110812359-C-T. GRCh37 (hg19) VCF-style: chr10-112572117-C-T.
Identifiers: ClinVar variation 416822 (VCV000416822.36), dbSNP rs1060504913, ClinGen allele CA16612732.